The following is an entry in ClinVar:

ClinVar aggregate classification (germline): Likely benign. Review status: criteria provided, multiple submitters, no conflicts (2 of 4 stars). 2 submissions from 2 submitters: Likely benign (2). Last evaluated 2025-12-15.

Conditions:
Pheochromocytoma. Also called: MAX-Related Hereditary Paraganglioma-Pheochromocytoma Syndrome. Identifiers: Orphanet 29072, MedGen C0031511, MONDO:0008233, OMIM 171300, HP:0002666.
Gastrointestinal stromal tumor. Also called: Gastrointestinal stromal tumor, somatic; Gastrointestinal stroma tumor. Identifiers: Orphanet 44890, MedGen C0238198, MeSH D046152, MONDO:0011719, OMIM 606764, HP:0100723.
Pheochromocytoma/paraganglioma syndrome 4. Also called: SDHB-Related Hereditary Paraganglioma-Pheochromocytoma Syndrome; PARAGANGLIOMA, FAMILIAL MALIGNANT; PARAGANGLIOMAS, HEREDITARY EXTRAADRENAL; PHEOCHROMOCYTOMA, FAMILIAL EXTRAADRENAL; Paragangliomas 4; CAROTID BODY TUMORS AND MULTIPLE EXTRAADRENAL PHEOCHROMOCYTOMAS. Identifiers: Orphanet 29072, MedGen C1861848, MONDO:0007273, OMIM 115310.

Allele frequency attached by ClinVar (database versions not stated): gnomAD exomes below 0.00001 and 0.00001; TOPMed below 0.00001; ExAC 0.00001; gnomAD 0.00001.
gnomAD v4.1: 6 of 1,600,952 alleles (0.00037%); highest among the groups gnomAD compares: Non-Finnish European, 0.00043%; no homozygotes.

Submissions (2):

Labcorp Genetics (formerly Invitae), Labcorp
Classification: Likely benign for Gastrointestinal stromal tumor; Pheochromocytoma/paraganglioma syndrome 4; Pheochromocytoma. Last evaluated: 2025-12-15. Review status: criteria provided, single submitter. Criteria: Invitae Variant Classification Sherloc (09022015). Collection method: clinical testing. Allele origin: germline.

Myriad Genetics, Inc.
Classification: Likely benign for Pheochromocytoma/paraganglioma syndrome 4. Last evaluated: 2025-03-13. Review status: criteria provided, single submitter. Criteria: Myriad Autosomal Dominant, Autosomal Recessive and X-Linked Classification Criteria (2023). Collection method: clinical testing. Allele origin: unknown.
Comment: This variant is considered likely benign. This variant is intronic and is not expected to impact mRNA splicing.

NM_003000.3(SDHB):c.642+7T>C

Gene: SDHB (succinate dehydrogenase complex iron sulfur subunit B; minus strand). Cytogenetic location: 1p36.13.
Variant type: single nucleotide variant.
Coding change: c.642+7T>C on transcript NM_003000.3 (MANE Select); 7 bases into the intron after coding-DNA position 642, T replaced by C.
Molecular consequence: intron variant.
Genome position (GRCh38, 1-based): chr1:17,023,966, A>G on the plus strand (T>C on the coding strand, the complement: SDHB is on the minus strand). VCF-style: chr1-17023966-A-G. GRCh37 (hg19) VCF-style: chr1-17350461-A-G.
Identifiers: ClinVar variation 528752 (VCV000528752.12), dbSNP rs747423037, ClinGen allele CA089692.